The following is an entry in ClinVar:

ClinVar aggregate classification (germline): Benign (3 of 4 stars; one submission).

Conditions:
Breast-ovarian cancer, familial, susceptibility to, 1 (BROVCA1). Also called: BRCA1 Hereditary Breast and Ovarian Cancer; OVARIAN CANCER, SUSCEPTIBILITY TO. Identifiers: Orphanet 145, MedGen C2676676, MONDO:0011450, OMIM 604370. Disease mechanism: loss of function.

Submission:

Evidence-based Network for the Interpretation of Germline Mutant Alleles (ENIGMA)
Classification: Benign for Breast-ovarian cancer, familial 1. Last evaluated: 2015-01-12. Review status: reviewed by expert panel. Criteria: ENIGMA BRCA1/2 Classification Criteria (2015). Collection method: curation. Allele origin: germline.
Comment: Class 1 not pathogenic based on frequency >1% in an outbred sampleset. Frequency 0.33 (Asian), 0.13 (African), 0.35 (European), derived from 1000 genomes (2012-04-30).

NM_007294.4(BRCA1):c.4185+1393_4185+1394insAG

Gene: BRCA1 (BRCA1 DNA repair associated; minus strand). Cytogenetic location: 17q21.31.
Variant type: Insertion.
Coding change: c.4185+1393_4185+1394insAG on transcript NM_007294.4 (MANE Select); bases 1393 to 1394 of the intron after coding-DNA position 4185, AG inserted.
Molecular consequence: intron variant.
Genome position: GRCh38 VCF-style: chr17-43089550-T-TTC. GRCh37 (hg19) VCF-style: chr17-41241567-T-TTC.
Other names: IVS 12+1393insGA; c.3849+1393_3849+1394insAG (NM_001407955.1, NM_001407954.1, NM_001407956.1 and 1 more transcripts); c.663+1393_663+1394insAG (NM_001408493.1, NM_001408490.1, NM_001408491.1); c.3972+1393_3972+1394insAG (NM_001407915.1, NM_001407916.1, NM_001407895.1 and 9 more transcripts); c.543+1393_543+1394insAG (NM_001408502.1); c.3852+1393_3852+1394insAG (NM_001407951.1, NM_001407946.1, NM_001407952.1 and 6 more transcripts); c.666+1393_666+1394insAG (NM_001408489.1, NM_001408479.1, NM_001408482.1 and 9 more transcripts); c.3975+1393_3975+1394insAG (NM_001407910.1, NM_001407904.1, NM_001407884.1 and 13 more transcripts); and 42 more.
Identifiers: ClinVar variation 209434 (VCV000209434.2), dbSNP rs201979969, ClinGen allele CA276406.